The following is an entry in ClinVar:

NM_002691.4(POLD1):c.2296T>C (p.Ser766Pro)

Gene: POLD1 (DNA polymerase delta 1, catalytic subunit; plus strand). Cytogenetic location: 19q13.33.
Variant type: single nucleotide variant.
Coding change: c.2296T>C on transcript NM_002691.4 (MANE Select); coding-DNA position 2296, T replaced by C.
Protein change: p.Ser766Pro; replaces serine 766 with proline.
Molecular consequence: missense variant. On other transcripts: non-coding transcript variant (1).
Genome position (GRCh38, 1-based): chr19:50,413,787, T>C. VCF-style: chr19-50413787-T-C. GRCh37 (hg19) VCF-style: chr19-50917044-T-C.
Other names: c.2296T>C, p.Ser766Pro (NM_001256849.1, NM_001438212.1, NM_001438213.1); c.2374T>C, p.Ser792Pro (NM_001308632.1); c.2224T>C, p.Ser742Pro (NM_001438210.1, NM_001438211.1); short protein forms S766P, S792P, S742P.
Identifiers: ClinVar variation 4140970 (VCV004140970.1).

ClinVar aggregate classification (germline): Uncertain significance (1 of 4 stars; one submission).

Conditions:
Hereditary cancer-predisposing syndrome. Also called: Hereditary neoplastic syndrome; Neoplastic Syndromes, Hereditary; Tumor predisposition; Hereditary Cancer Syndrome. Identifiers: Orphanet 140162, MedGen C0027672, MeSH D009386, MONDO:0015356.

Submission:

Ambry Genetics
Classification: Uncertain significance for Hereditary cancer-predisposing syndrome. Last evaluated: 2025-07-14. Review status: criteria provided, single submitter. Criteria: Ambry Variant Classification Scheme 2023. Collection method: clinical testing. Allele origin: germline.
Comment: The p.S766P variant (also known as c.2296T>C), located in coding exon 18 of the POLD1 gene, results from a T to C substitution at nucleotide position 2296. The serine at codon 766 is replaced by proline, an amino acid with similar properties. This amino acid position is conserved. In addition, this alteration is predicted to be tolerated by in silico analysis. Based on the available evidence, the clinical significance of this variant remains unclear.